The following is an entry in ClinVar:

ClinVar aggregate classification (germline): Uncertain significance. Review status: criteria provided, multiple submitters, no conflicts (2 of 4 stars). 4 submissions from 3 submitters: Uncertain significance (4). Last evaluated 2023-04-11.

Conditions:
Usher syndrome type 2A. Also called: USHER SYNDROME, TYPE IIA; RETINAL DISEASE IN USHER SYNDROME TYPE IIA, MODIFIER OF. Identifiers: Orphanet 231178, Orphanet 886, MedGen C1848634, MONDO:0010169, OMIM 276901.
Retinitis pigmentosa 39 (RP39). Identifiers: Orphanet 791, MedGen C3151138, MONDO:0013436, OMIM 613809.

Allele frequency attached by ClinVar (database versions not stated): ExAC 0.00001; gnomAD exomes 0.00001.
gnomAD v4.1: 19 of 1,614,000 alleles (0.0012%); highest among the groups gnomAD compares: Non-Finnish European, 0.0016%; no homozygotes.

Submissions (4):

Genome-Nilou Lab
Classification: Uncertain significance for Retinitis pigmentosa 39. Last evaluated: 2023-04-11. Review status: criteria provided, single submitter. Criteria: ACMG Guidelines, 2015. Collection method: clinical testing. Allele origin: germline. Affected: no.

Genome-Nilou Lab
Classification: Uncertain significance for Usher syndrome type 2A. Last evaluated: 2023-04-11. Review status: criteria provided, single submitter. Criteria: ACMG Guidelines, 2015. Collection method: clinical testing. Allele origin: germline. Affected: no.

Labcorp Genetics (formerly Invitae), Labcorp
Classification: Uncertain significance. Last evaluated: 2021-05-20. Review status: criteria provided, single submitter. Criteria: Invitae Variant Classification Sherloc (09022015). Collection method: clinical testing. Allele origin: germline.
Comment: This sequence change falls in intron 10 of the USH2A gene. It does not directly change the encoded amino acid sequence of the USH2A protein. It affects a nucleotide within the consensus splice site of the intron. This variant is present in population databases (rs749288291, ExAC 0.001%). This variant has not been reported in the literature in individuals with USH2A-related conditions. ClinVar contains an entry for this variant (Variation ID: 283899). Nucleotide substitutions within the consensus splice site are a relatively common cause of aberrant splicing (PMID: 17576681, 9536098). Algorithms developed to predict the effect of sequence changes on RNA splicing suggest that this variant is not likely to affect RNA splicing, but this prediction has not been confirmed by published transcriptional studies. In summary, the available evidence is currently insufficient to determine the role of this variant in disease. Therefore, it has been classified as a Variant of Uncertain Significance.

Eurofins Ntd Llc (ga)
Classification: Uncertain significance. Last evaluated: 2015-11-02. Review status: criteria provided, single submitter. Criteria: EGL Classification Definitions 2015. Collection method: clinical testing. Allele origin: germline. Observed: 1 variant allele, 1 heterozygote.

Literature cited by the submitters: PubMed 17576681 (cited by Labcorp Genetics (formerly Invitae), Labcorp); PubMed 9536098 (cited by Labcorp Genetics (formerly Invitae), Labcorp).

NM_206933.4(USH2A):c.1840+4A>G

Gene: USH2A (usherin; minus strand). Cytogenetic location: 1q41.
Variant type: single nucleotide variant.
Coding change: c.1840+4A>G on transcript NM_206933.4 (MANE Select); 4 bases into the intron after coding-DNA position 1840, A replaced by G.
Molecular consequence: intron variant.
Genome position (GRCh38, 1-based): chr1:216,292,171, T>C on the plus strand (A>G on the coding strand, the complement: USH2A is on the minus strand). VCF-style: chr1-216292171-T-C. GRCh37 (hg19) VCF-style: chr1-216465513-T-C.
Other names: c.1840+4A>G (NM_007123.6).
Identifiers: ClinVar variation 283899 (VCV000283899.7), dbSNP rs749288291, ClinGen allele CA1396396.